The following is an entry in ClinVar:

ClinVar aggregate classification (germline): Uncertain significance (1 of 4 stars; one submission).

Submission:

Women's Health and Genetics/Laboratory Corporation of America, LabCorp
Classification: Uncertain significance. Last evaluated: 2024-10-08. Review status: criteria provided, single submitter. Criteria: LabCorp Variant Classification Summary - May 2015. Collection method: clinical testing. Allele origin: germline.
Comment: Variant summary: TBXAS1 c.1114G>C (p.Asp372His) results in a non-conservative amino acid change in the encoded protein sequence. Five of five in-silico tools predict a damaging effect of the variant on protein function. The variant was absent in 250642 control chromosomes. The available data on variant occurrences in the general population are insufficient to allow any conclusion about variant significance. To our knowledge, no occurrence of c.1114G>C in individuals affected with Ghosal Hematodiaphyseal Dysplasia and no experimental evidence demonstrating its impact on protein function have been reported. No submitters have cited clinical-significance assessments for this variant to ClinVar. Based on the evidence outlined above, the variant was classified as uncertain significance.

NM_001061.7(TBXAS1):c.1114G>C (p.Asp372His)

Gene: TBXAS1 (thromboxane A synthase 1; plus strand). Cytogenetic location: 7q34.
Variant type: single nucleotide variant.
Coding change: c.1114G>C on transcript NM_001061.7 (MANE Select); coding-DNA position 1114, G replaced by C.
Protein change: p.Asp372His; replaces aspartic acid 372 with histidine.
Molecular consequence: missense variant.
Genome position (GRCh38, 1-based): chr7:139,962,213, G>C. VCF-style: chr7-139962213-G-C. GRCh37 (hg19) VCF-style: chr7-139662012-G-C.
Other names: c.1114G>C, p.Asp372His (NM_001130966.5, NM_030984.6); c.1252G>C, p.Asp418His (NM_001166253.4); c.913G>C, p.Asp305His (NM_001166254.4); c.1057G>C, p.Asp353His (NM_001314028.4); c.931G>C, p.Asp311His (NM_001366537.3); short protein forms D305H, D311H, D353H, D372H, D373H, D418H, D419H.
Identifiers: ClinVar variation 3384856 (VCV003384856.1).